The following is an entry in ClinVar:

NM_021096.4(CACNA1I):c.389T>G (p.Met130Arg)

Gene: CACNA1I (calcium voltage-gated channel subunit alpha1 I; plus strand). Cytogenetic location: 22q13.1.
Variant type: single nucleotide variant.
Coding change: c.389T>G on transcript NM_021096.4 (MANE Select); coding-DNA position 389, T replaced by G.
Protein change: p.Met130Arg; replaces methionine 130 with arginine.
Molecular consequence: missense variant.
Genome position (GRCh38, 1-based): chr22:39,600,560, T>G. VCF-style: chr22-39600560-T-G. GRCh37 (hg19) VCF-style: chr22-39996565-T-G.
Other names: c.389T>G, p.Met130Arg (NM_001003406.2); short protein forms M130R.
Identifiers: ClinVar variation 2662858 (VCV002662858.2), dbSNP rs1245399964, ClinGen allele CA411619185.

ClinVar aggregate classification (germline): Uncertain significance (1 of 4 stars; one submission).

Allele frequency attached by ClinVar (database versions not stated): TOPMed below 0.00001.

Submission:

GeneDx
Classification: Uncertain significance. Last evaluated: 2026-05-22. Review status: criteria provided, single submitter. Criteria: GeneDx Variant Classification Process June 2021. Collection method: clinical testing. Allele origin: germline.
Comment: Not observed at significant frequency in large population cohorts (gnomAD); In silico analysis supports that this missense variant has a deleterious effect on protein structure/function; Has not been previously published as pathogenic or benign to our knowledge